The following is an entry in ClinVar:

ClinVar aggregate classification (germline): Uncertain significance (1 of 4 stars; one submission).

Submission:

Labcorp Genetics (formerly Invitae), Labcorp
Classification: Uncertain significance. Last evaluated: 2022-07-12. Review status: criteria provided, single submitter. Criteria: Invitae Variant Classification Sherloc (09022015). Collection method: clinical testing. Allele origin: germline.
Comment: This sequence change replaces phenylalanine, which is neutral and non-polar, with leucine, which is neutral and non-polar, at codon 1175 of the FAT4 protein (p.Phe1175Leu). This variant is not present in population databases (gnomAD no frequency). This variant has not been reported in the literature in individuals affected with FAT4-related conditions. ClinVar contains an entry for this variant (Variation ID: 1464373). Advanced modeling of protein sequence and biophysical properties (such as structural, functional, and spatial information, amino acid conservation, physicochemical variation, residue mobility, and thermodynamic stability) performed at Invitae indicates that this missense variant is not expected to disrupt FAT4 protein function. In summary, the available evidence is currently insufficient to determine the role of this variant in disease. Therefore, it has been classified as a Variant of Uncertain Significance.

NM_001291303.3(FAT4):c.3525T>A (p.Phe1175Leu)

Gene: FAT4 (FAT atypical cadherin 4; plus strand). Cytogenetic location: 4q28.1.
Variant type: single nucleotide variant.
Coding change: c.3525T>A on transcript NM_001291303.3 (MANE Select); coding-DNA position 3525, T replaced by A.
Protein change: p.Phe1175Leu; replaces phenylalanine 1175 with leucine.
Molecular consequence: missense variant.
Genome position (GRCh38, 1-based): chr4:125,319,936, T>A. VCF-style: chr4-125319936-T-A. GRCh37 (hg19) VCF-style: chr4-126241091-T-A.
Other names: c.3525T>A, p.Phe1175Leu (NM_001291285.3, NM_024582.6); short protein forms F1175L.
Identifiers: ClinVar variation 1464373 (VCV001464373.6), dbSNP rs2125943496, ClinGen allele CA358124170.